The following is an entry in ClinVar:

ClinVar aggregate classification (germline): Uncertain significance (1 of 4 stars; one submission).

Submissions (2):

GeneDx
Classification: Uncertain significance. Last evaluated: 2025-07-09. Review status: criteria provided, single submitter. Criteria: GeneDx Variant Classification Process June 2021. Collection method: clinical testing. Allele origin: germline. Affected: yes.
Comment: Not observed at significant frequency in large population cohorts (gnomAD); In silico analysis supports a deleterious effect on splicing; Has not been previously published as pathogenic or benign to our knowledge

Dr. Peter K. Rogan Lab, Western University
No classification provided (evidence only). Condition: Ovarian serous cystadenocarcinoma. Review status: no classification provided. Collection method: in vitro. Allele origin: not applicable. Functional consequence: retained intron. Not counted in ClinVar's aggregate classification.

NM_000701.8(ATP1A1):c.2448+5G>C

Genes: ATP1A1 (ATPase Na+/K+ transporting subunit alpha 1; plus strand), ATP1A1-AS1 (ATP1A1 antisense RNA 1; minus strand). Cytogenetic location: 1p13.1.
Variant type: single nucleotide variant.
Coding change: c.2448+5G>C on transcript NM_000701.8 (MANE Select); 5 bases into the intron after coding-DNA position 2448, G replaced by C.
Molecular consequence: intron variant. On other transcripts: non-coding transcript variant (1).
Genome position (GRCh38, 1-based): chr1:116,399,089, G>C. VCF-style: chr1-116399089-G-C. GRCh37 (hg19) VCF-style: chr1-116941711-G-C.
Other names: NC_000001.10:g.116941711G>C; c.2448+5G>C (NM_001160233.2); c.2355+5G>C (NM_001160234.2).
Identifiers: ClinVar variation 4440617 (VCV004440617.2).